The following is an entry in ClinVar:

NM_172245.4(CSF2RA):c.370T>G (p.Phe124Val)

Gene: CSF2RA (colony stimulating factor 2 receptor subunit alpha; plus strand). Cytogenetic location: Xp22.33.
Variant type: single nucleotide variant.
Coding change: c.370T>G on transcript NM_172245.4 (MANE Select); coding-DNA position 370, T replaced by G.
Protein change: p.Phe124Val; replaces phenylalanine 124 with valine.
Molecular consequence: missense variant. On other transcripts: 5 prime UTR variant (1), non-coding transcript variant (1).
Genome position (GRCh38, 1-based): chrX:1,288,785, T>G. VCF-style: chrX-1288785-T-G. GRCh37 (hg19) VCF-style: chrX-1407678-T-G.
Other names: c.370T>G, p.Phe124Val (NM_001161529.2, NM_001161530.2, NM_001161531.2 and 21 more transcripts); c.-30T>G (NM_001161532.2); short protein forms F124V.
Identifiers: ClinVar variation 2418056 (VCV002418056.6), dbSNP rs1229396937, ClinGen allele CA412235240.
Genomic context (GRCh38, chrX:1,288,785, plus strand): 5'-GAGTGAAAATTATTTTGTTTCTACCTCTTCCCAGGAAGGGAGGGTACCGCTGCTCAGAAT[T>G]TCTCCTGTTTCATCTACAATGCGGATTTAATGAACTGTACCTGGGCGAGGGGTCCGACGG-3'
Protein context (NP_758448.1, residues 114-134): SGREGTAAQN[Phe124Val]SCFIYNADLM

ClinVar aggregate classification (germline): Uncertain significance. Review status: criteria provided, multiple submitters, no conflicts (2 of 4 stars). 2 submissions from 2 submitters: Uncertain significance (2). Last evaluated 2024-11-15.

Conditions:
Surfactant metabolism dysfunction, pulmonary, 4 (SMDP4). Also called: CSF2RA DEFICIENCY; PAP DUE TO CSF2RA DEFICIENCY; PULMONARY ALVEOLAR PROTEINOSIS, CONGENITAL, 4. Identifiers: Orphanet 264675, MedGen C2677877, MONDO:0010424, OMIM 300770.

Allele frequency attached by ClinVar (database versions not stated): TOPMed below 0.00001; gnomAD exomes 0.00001.
gnomAD v4.1: 6 of 1,613,920 alleles (0.00037%); highest among the groups gnomAD compares: Non-Finnish European, 0.00042%; no homozygotes.

Submissions (2):

Blueprint Genetics
Classification: Uncertain significance. Last evaluated: 2024-11-15. Review status: criteria provided, single submitter. Criteria: ACMG Guidelines, 2015. Collection method: clinical testing. Allele origin: germline.

Labcorp Genetics (formerly Invitae), Labcorp
Classification: Uncertain significance for Surfactant metabolism dysfunction, pulmonary, 4. Last evaluated: 2022-08-15. Review status: criteria provided, single submitter. Criteria: Invitae Variant Classification Sherloc (09022015). Collection method: clinical testing. Allele origin: germline.
Comment: In summary, the available evidence is currently insufficient to determine the role of this variant in disease. Therefore, it has been classified as a Variant of Uncertain Significance. Algorithms developed to predict the effect of missense changes on protein structure and function are either unavailable or do not agree on the potential impact of this missense change (SIFT: "Deleterious"; PolyPhen-2: "Probably Damaging"; Align-GVGD: "Class C0"). This variant has not been reported in the literature in individuals affected with CSF2RA-related conditions. This variant is not present in population databases (gnomAD no frequency). This sequence change replaces phenylalanine, which is neutral and non-polar, with valine, which is neutral and non-polar, at codon 124 of the CSF2RA protein (p.Phe124Val).